The following is an entry in ClinVar:

NM_007294.4(BRCA1):c.5365G>T (p.Ala1789Ser)

Gene: BRCA1 (BRCA1 DNA repair associated; minus strand). Cytogenetic location: 17q21.31.
Variant type: single nucleotide variant.
Coding change: c.5365G>T on transcript NM_007294.4 (MANE Select); coding-DNA position 5365, G replaced by T.
Protein change: p.Ala1789Ser; replaces alanine 1789 with serine.
Molecular consequence: missense variant. On other transcripts: non-coding transcript variant (1), intron variant (1).
Genome position (GRCh38, 1-based): chr17:43,049,162, C>A on the plus strand (G>T on the coding strand, the complement: BRCA1 is on the minus strand). VCF-style: chr17-43049162-C-A. GRCh37 (hg19) VCF-style: chr17-41201179-C-A.
Other names: c.5365G>T, p.Ala1789Ser (NM_001407597.1, NM_001407598.1, NM_001407602.1 and 5 more transcripts); c.5362G>T, p.Ala1788Ser (NM_001407610.1, NM_001407611.1, NM_001407612.1 and 14 more transcripts); c.5359G>T, p.Ala1787Ser (NM_001407627.1, NM_001407628.1, NM_001407629.1 and 13 more transcripts); c.5356G>T, p.Ala1786Ser (NM_001407644.1, NM_001407645.1); c.5353G>T, p.Ala1785Ser (NM_001407646.1); c.5350G>T, p.Ala1784Ser (NM_001407647.1); c.5308G>T, p.Ala1770Ser (NM_001407648.1); c.5305G>T, p.Ala1769Ser (NM_001407649.1); and 73 more; short protein forms A1789S, A1810S, A685S, A1742S, A1741S, A1746S, A1763S, A1785S.
Identifiers: ClinVar variation 55553 (VCV000055553.35), dbSNP rs80357078, ClinGen allele CA003533.
Genomic context (GRCh38, chr17:43,049,162, plus strand): 5'-CAGGGCACCCAATACTTACTGTGCCAAGGGTGAATGATGAAAGCTCCTTCACCACAGAAG[C>A]ACCACACAGCTGTACCATCCATTCCAGTTGATCTAAAATGGACATTTAGATGTAAAATCA-3'
Protein context (NP_009225.1, residues 1779-1799): QLEWMVQLCG[Ala1789Ser]SVVKELSSFT

ClinVar aggregate classification (germline): Conflicting classifications of pathogenicity. Review status: criteria provided, conflicting classifications (1 of 4 stars). 13 submissions from 13 submitters: Uncertain significance (6); Likely benign (3). 4 of the submissions do not count toward it. Last evaluated 2025-11-10.

Conditions:
Breast-ovarian cancer, familial, susceptibility to, 1 (BROVCA1). Also called: BRCA1 Hereditary Breast and Ovarian Cancer; OVARIAN CANCER, SUSCEPTIBILITY TO. Identifiers: Orphanet 145, MedGen C2676676, MONDO:0011450, OMIM 604370. Disease mechanism: loss of function.
Hereditary cancer-predisposing syndrome. Also called: Hereditary Cancer Syndrome; Hereditary neoplastic syndrome; Neoplastic Syndromes, Hereditary; Tumor predisposition. Identifiers: Orphanet 140162, MedGen C0027672, MeSH D009386, MONDO:0015356.
Hereditary breast ovarian cancer syndrome. Also called: BRCA1- and BRCA2-Associated Hereditary Breast and Ovarian Cancer; Hereditary breast and ovarian cancer syndrome; Hereditary breast and ovarian cancer syndrome (HBOC); Breast and ovarian cancer; Hereditary breast and/or ovarian cancer syndrome; Hereditary breast and ovarian cancer. Identifiers: Orphanet 145, MedGen C0677776, MeSH D061325, MONDO:0003582. Disease mechanism: loss of function.

gnomAD v4.1: 15 of 1,614,160 alleles (0.00093%); highest among the groups gnomAD compares: Non-Finnish European, 0.0013%; no homozygotes.

Submissions 1 to 7 of 14:

Labcorp Genetics (formerly Invitae), Labcorp
Classification: Uncertain significance for Hereditary breast ovarian cancer syndrome. Last evaluated: 2025-11-10. Review status: criteria provided, single submitter. Criteria: Invitae Variant Classification Sherloc (09022015). Collection method: clinical testing. Allele origin: germline.
Comment: This sequence change replaces alanine, which is neutral and non-polar, with serine, which is neutral and polar, at codon 1789 of the BRCA1 protein (p.Ala1789Ser). This variant is not present in population databases (gnomAD no frequency). This missense change has been observed in individual(s) with breast cancer (PMID: 15887246). ClinVar contains an entry for this variant (Variation ID: 55553). Invitae Evidence Modeling incorporating data from in vitro experimental studies (PMID: 30209399) indicates that this missense variant is not expected to disrupt BRCA1 function with a negative predictive value of 95%. Experimental studies have shown that this missense change does not substantially affect BRCA1 function (PMID: 20516115, 30257991, 30765603). In summary, the available evidence is currently insufficient to determine the role of this variant in disease. Therefore, it has been classified as a Variant of Uncertain Significance.

Center for Genomic Medicine, Rigshospitalet, Copenhagen University Hospital
Classification: Likely benign. Last evaluated: 2025-03-04. Review status: criteria provided, single submitter. Criteria: ACMG Guidelines, 2015. Collection method: clinical testing. Allele origin: germline.

Women's Health and Genetics/Laboratory Corporation of America, LabCorp
Classification: Uncertain significance. Last evaluated: 2024-05-24. Review status: criteria provided, single submitter. Criteria: LabCorp Variant Classification Summary - May 2015. Collection method: clinical testing. Allele origin: germline.
Comment: Variant summary: BRCA1 c.5365G>T (p.Ala1789Ser) results in a conservative amino acid change in the encoded protein sequence. Three of four in-silico tools predict a benign effect of the variant on protein function. The variant was absent in 251448 control chromosomes. The available data on variant occurrences in the general population are insufficient to allow any conclusion about variant significance. c.5365G>T has been reported in the literature in an individual affected with Hereditary Breast And Ovarian Cancer Syndrome (Bonadona_2005) without family history. This report does not provide unequivocal conclusions about association of the variant with Hereditary Breast And Ovarian Cancer Syndrome. Several publications report experimental evidence evaluating an impact on protein function, and show no significant impact on protein function (Woods_2016, Fernandes_2019, Petitalot_2019, Findlay_2018). The following publications have been ascertained in the context of this evaluation (PMID: 15887246, 30765603, 30209399, 30257991, 28781887). ClinVar contains an entry for this variant (Variation ID: 55553). Based on the evidence outlined above, the variant was classified as uncertain significance.

German Consortium for Hereditary Breast and Ovarian Cancer, University Hospital Cologne
Classification: Uncertain significance for Hereditary breast ovarian cancer syndrome. Last evaluated: 2024-04-09. Review status: criteria provided, single submitter. Criteria: ClinGen BRCA1 V1.0.0. Collection method: curation. Allele origin: germline.
Comment: According to the ClinGen ENIGMA BRCA1 v1.0.0 criteria we chose these criteria: PM2 (supporting pathogenic): Absent from controls , PP3 (supporting pathogenic): for missense or in-frame insertion, deletion or delins variants inside a (potentially) clinically important functional domain and predicted impact via proteinchange (BayesDel no-AF score ≥0.28). -> BayseDel no AF:0.3921, BP5 (medium benign): LR: 0,206541838 (Parson et al, 2019)

All of Us Research Program, National Institutes of Health
Classification: Uncertain significance for Breast-ovarian cancer, familial, susceptibility to, 1. Last evaluated: 2023-03-07. Review status: criteria provided, single submitter. Criteria: ACMG Guidelines, 2015. Collection method: clinical testing. Allele origin: germline. Inheritance: Autosomal dominant inheritance. Observed: 1 variant allele, 1 heterozygote.
Comment: This missense variant replaces alanine with serine at codon 1789 of the BRCA1 protein. Computational prediction suggests that this variant may have deleterious impact on protein structure and function (internally defined REVEL score threshold >= 0.7, PMID: 27666373). Functional studies have reported that this variant does not impact BRCA1 function in transcription activation, homology-directed DNA repair, a haploid cell proliferation and structural stability assays (PMID: 20516115, 29884841, 30209399) and exhibits a moderate decrease in phosphopeptide binding and specificity assays (PMID: 20516115). This variant has been reported in an individual affected with early onset breast cancer with no family history (PMID: 15887246). This variant has not been identified in the general population by the Genome Aggregation Database (gnomAD). A different variant affecting the same codon, c.5365G>A (p.Ala1789Thr), has been identified in individuals affected by breast and/or ovarian cancer (PMID: 18680205, 20737206, 30264118, 30287823, Color internal data) and has been reported to impair BRCA1 protein function in several functional studies (PMID: 18680205, 19493677, 20737206, 28781887, 29884841, 30209399, 32546644), suggesting that Ala at this position is important for the protein function. However, the same functional assays, that reported the p.Ala1789Thr variant to be defected, found our variant in question, p.Ala1789Ser, has no impact on BRCA1 function (PMID: 29884841, 30209399). The available evidence is insufficient to determine the role of this variant in disease conclusively. Therefore, this variant is classified as a Variant of Uncertain Significance.

This study involves interpretation of variants in research participants for the purpose of population health screening. Participant phenotype was not available at the time of variant classification. Additional details can be found in publication PMID: 35346344, PMCID: PMC8962531

Color Diagnostics, LLC DBA Color Health
Classification: Uncertain significance for Hereditary cancer-predisposing syndrome. Last evaluated: 2023-02-01. Review status: criteria provided, single submitter. Criteria: ACMG Guidelines, 2015. Collection method: clinical testing. Allele origin: germline.
Comment: This missense variant replaces alanine with serine at codon 1789 of the BRCA1 protein. Computational prediction suggests that this variant may have deleterious impact on protein structure and function (internally defined REVEL score threshold >= 0.7, PMID: 27666373). Functional studies have reported that this variant does no impact BRCA1 function in protein stability, phosphopeptide binding and specificity, transcription activation and homology-directed repair assays (PMID: 20516115, 28781887, 30257991) and in a haploid cell proliferation assay (PMID: 30209399) This variant has been reported in an individual affected with early-onset breast cancer with no family history of disease (PMID: 15887246). This variant has not been identified in the general population by the Genome Aggregation Database (gnomAD). A different variant affecting the same codon, c.5365G>A (p.Ala1789Thr), has been identified in individuals affected by breast and/or ovarian cancer (PMID: 18680205, 20737206, 30264118, 30287823, Color internal data) and has been reported to impair BRCA1 protein function in several functional studies (PMID: 18680205, 19493677, 20737206, 28781887, 29884841, 30209399, 32546644), suggesting that Ala at this position is important for the protein function. However, the same functional assays, that reported the p.Ala1789Thr variant to be defected, found our variant in question, p.Ala1789Ser, has no impact on BRCA1 function (PMID: 29884841, 30209399). The available evidence is insufficient to determine the role of this variant in disease conclusively. Therefore, this variant is classified as a Variant of Uncertain Significance.

Ambry Genetics
Classification: Likely benign for Hereditary cancer-predisposing syndrome. Last evaluated: 2021-04-27. Review status: criteria provided, single submitter. Criteria: Ambry Variant Classification Scheme 2023. Collection method: clinical testing. Allele origin: germline.